The following is an entry in ClinVar:

ClinVar aggregate classification (germline): Uncertain significance (1 of 4 stars; one submission).

Conditions:
Hypertrophic cardiomyopathy 19. Also called: Familial hypertrophic cardiomyopathy 19. Identifiers: MedGen CN077603, MONDO:0013476.

Submission:

Labcorp Genetics (formerly Invitae), Labcorp
Classification: Uncertain significance for Hypertrophic cardiomyopathy 19. Last evaluated: 2020-02-21. Review status: criteria provided, single submitter. Criteria: Invitae Variant Classification Sherloc (09022015). Collection method: clinical testing. Allele origin: germline.
Comment: In summary, the available evidence is currently insufficient to determine the role of this variant in disease. Therefore, it has been classified as a Variant of Uncertain Significance. Algorithms developed to predict the effect of missense changes on protein structure and function are either unavailable or do not agree on the potential impact of this missense change (SIFT: "Tolerated"; PolyPhen-2: "Possibly Damaging"; Align-GVGD: "Class C0"). This variant has not been reported in the literature in individuals with CALR3-related conditions. This variant is not present in population databases (ExAC no frequency). This sequence change replaces asparagine with threonine at codon 123 of the CALR3 protein (p.Asn123Thr). The asparagine residue is weakly conserved and there is a small physicochemical difference between asparagine and threonine.

NM_145046.5(CALR3):c.368A>C (p.Asn123Thr)

Gene: CALR3 (calreticulin 3; minus strand). Cytogenetic location: 19p13.11.
Variant type: single nucleotide variant.
Coding change: c.368A>C on transcript NM_145046.5 (MANE Select); coding-DNA position 368, A replaced by C.
Protein change: p.Asn123Thr; replaces asparagine 123 with threonine.
Molecular consequence: missense variant.
Genome position (GRCh38, 1-based): chr19:16,490,396, T>G on the plus strand (A>C on the coding strand, the complement: CALR3 is on the minus strand). VCF-style: chr19-16490396-T-G. GRCh37 (hg19) VCF-style: chr19-16601207-T-G.
Other names: short protein forms N123T.
Identifiers: ClinVar variation 950880 (VCV000950880.10), dbSNP rs2093395920, ClinGen allele CA404613039.